The following is an entry in ClinVar:

NM_001134363.3(RBM20):c.1276-259A>G

Gene: RBM20 (RNA binding motif protein 20; plus strand). Cytogenetic location: 10q25.2.
Variant type: single nucleotide variant.
Coding change: c.1276-259A>G on transcript NM_001134363.3 (MANE Select); 259 bases into the intron before coding-DNA position 1276, A replaced by G.
Molecular consequence: intron variant.
Genome position (GRCh38, 1-based): chr10:110,783,107, A>G. VCF-style: chr10-110783107-A-G. GRCh37 (hg19) VCF-style: chr10-112542865-A-G.
Identifiers: ClinVar variation 683747 (VCV000683747.1), dbSNP rs12254016, ClinGen allele CA213235771.

ClinVar aggregate classification (germline): Benign (1 of 4 stars; one submission).

Allele frequency attached by ClinVar (database versions not stated): gnomAD 0.42322 and 0.43132; 1000 Genomes Project 30x 0.42536; TOPMed 0.42547; 1000 Genomes Project 0.43510.
gnomAD v4.1: 65,673 of 151,776 alleles (43%); highest among the groups gnomAD compares: South Asian, 61%; 15,355 homozygotes.

Submission:

GeneDx
Classification: Benign. Last evaluated: 2018-06-18. Review status: criteria provided, single submitter. Criteria: GeneDx Variant Classification (06012015). Collection method: clinical testing. Allele origin: germline. Affected: yes.
Comment: This variant is considered likely benign or benign based on one or more of the following criteria: it is a conservative change, it occurs at a poorly conserved position in the protein, it is predicted to be benign by multiple in silico algorithms, and/or has population frequency not consistent with disease.